The following is an entry in ClinVar:

ClinVar aggregate classification (germline): Conflicting classifications of pathogenicity. Review status: criteria provided, conflicting classifications (1 of 4 stars). 2 submissions from 2 submitters: Uncertain significance (1); Likely benign (1). Last evaluated 2024-10-09.

Conditions:
Neurofibromatosis, type 1 (NF1). Also called: VON RECKLINGHAUSEN DISEASE; NEUROFIBROMATOSIS, TYPE I, SOMATIC; Peripheral type neurofibromatosis; Neurofibromatosis, type I. Identifiers: Orphanet 636, MedGen C0027831, MONDO:0018975, OMIM 162200. Disease mechanism: loss of function.

Submissions (2):

Labcorp Genetics (formerly Invitae), Labcorp
Classification: Likely benign for Neurofibromatosis, type 1. Last evaluated: 2024-10-09. Review status: criteria provided, single submitter. Criteria: Invitae Variant Classification Sherloc (09022015). Collection method: clinical testing. Allele origin: germline.

GeneDx
Classification: Uncertain significance. Last evaluated: 2022-03-04. Review status: criteria provided, single submitter. Criteria: GeneDx Variant Classification Process June 2021. Collection method: clinical testing. Allele origin: germline. Affected: yes.
Comment: Not observed at significant frequency in large population cohorts (gnomAD); In silico analysis supports that this variant does not alter splicing; Has not been previously published as pathogenic or benign to our knowledge

NM_001042492.3(NF1):c.587-12T>C

Gene: NF1 (neurofibromin 1; plus strand). Cytogenetic location: 17q11.2.
Variant type: single nucleotide variant.
Coding change: c.587-12T>C on transcript NM_001042492.3 (MANE Select); 12 bases into the intron before coding-DNA position 587, T replaced by C.
Molecular consequence: intron variant.
Genome position (GRCh38, 1-based): chr17:31,181,410, T>C. VCF-style: chr17-31181410-T-C. GRCh37 (hg19) VCF-style: chr17-29508428-T-C.
Other names: c.587-12T>C (NM_000267.4, NM_001128147.3).
Identifiers: ClinVar variation 1704106 (VCV001704106.4), dbSNP rs2544747443, ClinGen allele CA2580092763.